The following is an entry in ClinVar:

NM_001267550.2(TTN):c.89725A>G (p.Lys29909Glu)

Genes: TTN (titin; minus strand), TTN-AS1 (TTN antisense RNA 1; plus strand). Cytogenetic location: 2q31.2.
Variant type: single nucleotide variant.
Coding change: c.89725A>G on transcript NM_001267550.2 (MANE Select); coding-DNA position 89725, A replaced by G.
Protein change: p.Lys29909Glu; replaces lysine 29909 with glutamic acid.
Molecular consequence: missense variant.
Genome position (GRCh38, 1-based): chr2:178,553,175, T>C on the plus strand (A>G on the coding strand, the complement: TTN is on the minus strand). VCF-style: chr2-178553175-T-C. GRCh37 (hg19) VCF-style: chr2-179417902-T-C.
Other names: c.84802A>G, p.Lys28268Glu (NM_001256850.1); c.62530A>G, p.Lys20844Glu (NM_003319.4); c.82021A>G, p.Lys27341Glu (NM_133378.4); c.62905A>G, p.Lys20969Glu (NM_133432.3); c.63106A>G, p.Lys21036Glu (NM_133437.4); short protein forms K20844E, K29909E, K20969E, K21036E, K28268E, K27341E.
Identifiers: ClinVar variation 4979316 (VCV004979316.1).

ClinVar aggregate classification (germline): Uncertain significance (1 of 4 stars; one submission).

Conditions:
TTN-related disorder. Also called: TTN-related condition; TTN-related disease; TTN-related disorders.

gnomAD v4.1: 7 of 1,613,838 alleles (0.00043%); highest among the groups gnomAD compares: Non-Finnish European, 0.00059%; no homozygotes.

Submission:

PreventionGenetics, part of Exact Sciences
Classification: Uncertain significance for TTN-related condition. Last evaluated: 2026-09-08. Review status: criteria provided, single submitter. Criteria: ACMG Guidelines, 2015. Collection method: clinical testing. Allele origin: germline.
Comment: The TTN c.89725A>G variant is predicted to result in the amino acid substitution p.Lys29909Glu. To our knowledge, this variant has not been reported in the literature. This variant is reported in 0.0018% of alleles in individuals of European (Non-Finnish) descent in gnomAD. At this time, the clinical significance of this variant is uncertain due to the absence of conclusive functional and genetic evidence.